The following is an entry in ClinVar:

NM_000538.4(RFXAP):c.*1092A>G

Gene: RFXAP (regulatory factor X associated protein; plus strand). Cytogenetic location: 13q13.3.
Variant type: single nucleotide variant.
Coding change: c.*1092A>G on transcript NM_000538.4 (MANE Select); 1092 bases downstream of the stop codon, A replaced by G.
Molecular consequence: 3 prime UTR variant.
Genome position (GRCh38, 1-based): chr13:36,828,845, A>G. VCF-style: chr13-36828845-A-G. GRCh37 (hg19) VCF-style: chr13-37402982-A-G.
Identifiers: ClinVar variation 311799 (VCV000311799.6), dbSNP rs17054519, ClinGen allele CA10643249.
Genomic context (GRCh38, chr13:36,828,845, plus strand): 5'-TTCTTATACTTTCTCCTAGGAAAACTTTAAAACTTTAAAAAGGCAAACCTACCAATAGGA[A>G]TAACAAATTAAATGTCAAGAGAGTATATCCAATATTAGGATATAAATGTATGTGTCTCAA-3'

ClinVar aggregate classification (germline): Benign. Review status: criteria provided, multiple submitters, no conflicts (2 of 4 stars). 2 submissions from 2 submitters: Benign (2). Last evaluated 2018-01-12.

Conditions:
MHC class II deficiency. Also called: Bare lymphocyte syndrome 2; BLS, TYPE II. Identifiers: Orphanet 572, MedGen C5447452, MONDO:0008855.

Allele frequency attached by ClinVar (database versions not stated): 1000 Genomes Project 30x 0.05590; 1000 Genomes Project 0.05950; gnomAD 0.02297 and 0.02730; TOPMed 0.02608.

Submissions (2):

Illumina Laboratory Services, Illumina
Classification: Benign for MHC class II deficiency 1. Last evaluated: 2018-01-12. Review status: criteria provided, single submitter. Criteria: ICSL Variant Classification Criteria 13 December 2019. Collection method: clinical testing. Allele origin: germline.
Comment: This variant was observed in the ICSL laboratory as part of a predisposition screen in an ostensibly healthy population. It had not been previously curated by ICSL or reported in the Human Gene Mutation Database (HGMD: prior to June 1st, 2018), and was therefore a candidate for classification through an automated scoring system. Utilizing variant allele frequency, disease prevalence and penetrance estimates, and inheritance mode, an automated score was calculated to assess if this variant is too frequent to cause the disease. Based on the score and internal cut-off values, a variant classified as benign is not then subjected to further curation. The score for this variant resulted in a classification of benign for this disease.

Breakthrough Genomics
Classification: Benign. Review status: criteria provided, single submitter. Criteria: ACMG Guidelines, 2015. Collection method: not provided. Allele origin: germline. Inheritance: Autosomal recessive inheritance. Affected: yes.